The following is an entry in ClinVar:

ClinVar aggregate classification (germline): Uncertain significance (1 of 4 stars; one submission).

Conditions:
SPECC1L-related disorder. Also called: SPECC1L-related condition.

gnomAD v4.1: 19 of 1,614,136 alleles (0.0012%); highest among the groups gnomAD compares: African/African-American, 0.0027%; no homozygotes.

Submission:

PreventionGenetics, part of Exact Sciences
Classification: Uncertain significance for SPECC1L-related condition. Last evaluated: 2026-07-16. Review status: criteria provided, single submitter. Criteria: ACMG Guidelines, 2015. Collection method: clinical testing. Allele origin: germline.
Comment: The SPECC1L c.691A>G variant is predicted to result in the amino acid substitution p.Ile231Val. To our knowledge, this variant has not been reported in the literature. This variant is reported in 0.0062% of alleles in individuals of African descent in gnomAD. At this time, the clinical significance of this variant is uncertain due to the absence of conclusive functional and genetic evidence.

NM_015330.6(SPECC1L):c.691A>G (p.Ile231Val)

Genes: SPECC1L (sperm antigen with calponin homology and coiled-coil domains 1 like; plus strand), SPECC1L-ADORA2A (SPECC1L-ADORA2A readthrough (NMD candidate); plus strand). Cytogenetic location: 22q11.23.
Variant type: single nucleotide variant.
Coding change: c.691A>G on transcript NM_015330.6 (MANE Select); coding-DNA position 691, A replaced by G.
Protein change: p.Ile231Val; replaces isoleucine 231 with valine.
Molecular consequence: missense variant. On other transcripts: non-coding transcript variant (1).
Genome position (GRCh38, 1-based): chr22:24,321,671, A>G. VCF-style: chr22-24321671-A-G. GRCh37 (hg19) VCF-style: chr22-24717639-A-G.
Other names: c.691A>G, p.Ile231Val (NM_001145468.4, NM_001254732.3); short protein forms I231V.
Identifiers: ClinVar variation 4991333 (VCV004991333.1).